The following is an entry in ClinVar:

ClinVar aggregate classification (germline): Conflicting classifications of pathogenicity. Review status: criteria provided, conflicting classifications (1 of 4 stars). 8 submissions from 8 submitters: Uncertain significance (1); Benign (3); Likely benign (3). 1 of the submissions does not count toward it. Last evaluated 2026-01-25.

Conditions:
TMPRSS3-related disorder. Also called: TMPRSS3-related condition.
Autosomal recessive nonsyndromic hearing loss 8 (DFNB8). Also called: NEUROSENSORY NONSYNDROMIC RECESSIVE DEAFNESS 8; Deafness, autosomal recessive 10. Identifiers: Orphanet 90636, MedGen C1832827, MONDO:0010987, OMIM 601072.

Allele frequency attached by ClinVar (database versions not stated): ExAC 0.00147; gnomAD 0.00279 and 0.00291; ESP Exome Variant Server 0.00331; TOPMed 0.00353; 1000 Genomes Project 0.00499; 1000 Genomes Project 30x 0.00500.
gnomAD v4.1: 1,126 of 1,614,052 alleles (0.07%); highest among the groups gnomAD compares: African/African-American, 0.92%; 4 homozygotes.

Submissions (8):

Labcorp Genetics (formerly Invitae), Labcorp
Classification: Benign. Last evaluated: 2026-01-25. Review status: criteria provided, single submitter. Criteria: Invitae Variant Classification Sherloc (09022015). Collection method: clinical testing. Allele origin: germline.

CeGaT Center for Human Genetics Tuebingen
Classification: Likely benign. Last evaluated: 2025-12-01. Review status: criteria provided, single submitter. Criteria: CeGaT Center For Human Genetics Tuebingen Variant Classification Criteria Version 2. Collection method: clinical testing. Allele origin: germline. Affected: yes. Observed: 1 variant allele.
Comment: TMPRSS3: BP4, BP7

Blueprint Genetics
Classification: Likely benign. Last evaluated: 2024-11-25. Review status: criteria provided, single submitter. Criteria: ACMG Guidelines, 2015. Collection method: clinical testing. Allele origin: germline.

GeneDx
Classification: Likely benign. Last evaluated: 2021-01-25. Review status: criteria provided, single submitter. Criteria: GeneDx Variant Classification Process June 2021. Collection method: clinical testing. Allele origin: germline. Affected: yes.

Illumina Laboratory Services, Illumina
Classification: Uncertain significance for Autosomal recessive nonsyndromic hearing loss 8. Last evaluated: 2018-01-13. Review status: criteria provided, single submitter. Criteria: ICSL Variant Classification Criteria 13 December 2019. Collection method: clinical testing. Allele origin: germline.

Eurofins Ntd Llc (ga)
Classification: Benign. Last evaluated: 2016-01-19. Review status: criteria provided, single submitter. Criteria: EGL Classification Definitions 2015. Collection method: clinical testing. Allele origin: germline. Observed: 2 variant alleles, 2 heterozygotes.

Laboratory for Molecular Medicine, Mass General Brigham Personalized Medicine
Classification: Benign. Last evaluated: 2012-05-14. Review status: criteria provided, single submitter. Criteria: LMM Criteria. Collection method: clinical testing. Allele origin: germline. Observed: 8 variant alleles.
Comment: Asp374Asp in Exon 11 of TMPRSS3: This variant is not expected to have clinical s ignificance because it does not alter an amino acid residue, is not located with in the splice consensus sequence, and has been identified in 1.0% (37/3738) of A frican American chromosomes from a broad population by the NHLBI Exome Sequencin g Project (dbSNP rs113747896).

PreventionGenetics, part of Exact Sciences
Classification: Benign for TMPRSS3-related condition. Last evaluated: 2020-01-15. Review status: no assertion criteria provided. Collection method: clinical testing. Allele origin: germline. Not counted in ClinVar's aggregate classification.
Comment: This variant is classified as benign based on ACMG/AMP sequence variant interpretation guidelines (Richards et al. 2015 PMID: 25741868, with internal and published modifications).

NM_001256317.3(TMPRSS3):c.1119C>T (p.Asp373=)

Gene: TMPRSS3 (transmembrane serine protease 3; minus strand). Cytogenetic location: 21q22.3.
Variant type: single nucleotide variant.
Coding change: c.1119C>T on transcript NM_001256317.3 (MANE Select); coding-DNA position 1119, C replaced by T.
Protein change: p.Asp373=; no amino-acid change (aspartic acid 373 retained).
Molecular consequence: synonymous variant.
Genome position (GRCh38, 1-based): chr21:42,376,613, G>A on the plus strand (C>T on the coding strand, the complement: TMPRSS3 is on the minus strand). VCF-style: chr21-42376613-G-A. GRCh37 (hg19) VCF-style: chr21-43796722-G-A.
Other names: c.1122C>T, p.Asp374= (NM_024022.4); c.741C>T, p.Asp247= (NM_032404.3).
Identifiers: ClinVar variation 46097 (VCV000046097.32), dbSNP rs113747896, ClinGen allele CA137678.
Genomic context (GRCh38, chr21:42,376,613, plus strand): 5'-CACGCCACCCGTCAGGTAGCCCGCGCAGAGCATGGAGGGGGAGATGATGCCACCGTACAC[G>A]TCCCTGTGGTTGCAGATCTTGTTGGAAATCAAAGGGACGGCCGCGTGGTTCAGGACAGGG-3'
Protein context (NP_001243246.1, residues 363-383): LISNKICNHR[Asp373=]VYGGIISPSM